The following is an entry in ClinVar:

ClinVar aggregate classification (germline): Uncertain significance (1 of 4 stars; one submission).

Allele frequency attached by ClinVar (database versions not stated): gnomAD exomes below 0.00001; TOPMed below 0.00001.
gnomAD v4.1: 1 of 1,613,914 alleles (0.000062%); highest among the groups gnomAD compares: Admixed American, 0.0017%; no homozygotes.

Submission:

Labcorp Genetics (formerly Invitae), Labcorp
Classification: Uncertain significance. Last evaluated: 2022-02-06. Review status: criteria provided, single submitter. Criteria: Invitae Variant Classification Sherloc (09022015). Collection method: clinical testing. Allele origin: germline.
Comment: This sequence change replaces proline, which is neutral and non-polar, with arginine, which is basic and polar, at codon 2176 of the COL7A1 protein (p.Pro2176Arg). This variant is present in population databases (no rsID available, gnomAD 0.003%). This variant has not been reported in the literature in individuals affected with COL7A1-related conditions. Algorithms developed to predict the effect of missense changes on protein structure and function are either unavailable or do not agree on the potential impact of this missense change (SIFT: "Deleterious"; PolyPhen-2: "Probably Damaging"; Align-GVGD: "Class C15"). In summary, the available evidence is currently insufficient to determine the role of this variant in disease. Therefore, it has been classified as a Variant of Uncertain Significance.

NM_000094.4(COL7A1):c.6527C>G (p.Pro2176Arg)

Gene: COL7A1 (collagen type VII alpha 1 chain; minus strand). Cytogenetic location: 3p21.31.
Variant type: single nucleotide variant.
Coding change: c.6527C>G on transcript NM_000094.4 (MANE Select); coding-DNA position 6527, C replaced by G.
Protein change: p.Pro2176Arg; replaces proline 2176 with arginine.
Molecular consequence: missense variant.
Genome position (GRCh38, 1-based): chr3:48,573,865, G>C on the plus strand (C>G on the coding strand, the complement: COL7A1 is on the minus strand). VCF-style: chr3-48573865-G-C. GRCh37 (hg19) VCF-style: chr3-48611298-G-C.
Other names: short protein forms P2176R.
Identifiers: ClinVar variation 2180080 (VCV002180080.1), dbSNP rs1169490808, ClinGen allele CA352657399.
Genomic context (GRCh38, chr3:48,573,865, plus strand): 5'-GGCAGGGCACAGGATGGGGGCAAGACAGGTGAAGGTTCTTGGGTACTCACCACTGGGCCA[G>C]GGGGGCCTCTTGGACCCTGCAGACCCTACATAGAGAGGGCACTGATGAGCCTCAATCTGG-3'
Protein context (NP_000085.1, residues 2166-2186): KPGLQGPRGP[Pro2176Arg]GPVGGHGDPG